The following is an entry in ClinVar:

NM_000435.3(NOTCH3):c.3061dup (p.Tyr1021fs)

Gene: NOTCH3 (notch receptor 3; minus strand). Cytogenetic location: 19p13.12.
Variant type: Duplication.
Coding change: c.3061dup on transcript NM_000435.3 (MANE Select); coding-DNA position 3061, one base duplicated (T; older notation c.3061dupT).
Protein change: p.Tyr1021fs; shifts the reading frame from tyrosine 1021.
Molecular consequence: frameshift variant.
Genome position (GRCh38, 1-based): chr19:15,180,762, A duplicated on the plus strand (T on the coding strand, the reverse complement: NOTCH3 is on the minus strand). VCF-style (leftmost placement, unchanged base first): chr19-15180761-T-TA. GRCh37 (hg19) VCF-style: chr19-15291572-T-TA.
Other names: short protein forms Y1021fs.
Identifiers: ClinVar variation 1307983 (VCV001307983.2), dbSNP rs2145421802, ClinGen allele CA2573054735.

ClinVar aggregate classification (germline): Uncertain significance (1 of 4 stars; one submission).

Submission:

GeneDx
Classification: Uncertain significance. Last evaluated: 2019-08-29. Review status: criteria provided, single submitter. Criteria: GeneDx Variant Classification Process June 2021. Collection method: clinical testing. Allele origin: germline. Affected: yes.
Comment: Not observed in large population cohorts (Lek et al., 2016); Frameshift variant predicted to result in protein truncation or nonsense mediated decay in a gene for which loss-of-function is not a known mechanism of disease; Has not been previously published as pathogenic or benign to our knowledge